The following is an entry in ClinVar:

ClinVar aggregate classification (germline): Uncertain significance (1 of 4 stars; one submission).

Conditions:
PHGDH deficiency. Identifiers: Orphanet 79351, MedGen C1866174, MONDO:0011152, OMIM 601815.

Allele frequency attached by ClinVar (database versions not stated): gnomAD exomes 0.00001 and 0.00003; ExAC 0.00002; gnomAD 0.00003; 1000 Genomes Project 0.00020; 1000 Genomes Project 30x 0.00031.
gnomAD v4.1: 9 of 1,613,926 alleles (0.00056%); highest among the groups gnomAD compares: Admixed American, 0.0083%; no homozygotes.

Submission:

Labcorp Genetics (formerly Invitae), Labcorp
Classification: Uncertain significance for PHGDH deficiency. Last evaluated: 2021-08-25. Review status: criteria provided, single submitter. Criteria: Invitae Variant Classification Sherloc (09022015). Collection method: clinical testing. Allele origin: germline.
Comment: This sequence change falls in intron 1 of the PHGDH gene. It does not directly change the encoded amino acid sequence of the PHGDH protein. This variant is present in population databases (rs191621265, ExAC 0.02%). This variant has not been reported in the literature in individuals affected with PHGDH-related conditions. Algorithms developed to predict the effect of sequence changes on RNA splicing suggest that this variant may create or strengthen a splice site. In summary, the available evidence is currently insufficient to determine the role of this variant in disease. Therefore, it has been classified as a Variant of Uncertain Significance.

NM_006623.4(PHGDH):c.139-17T>A

Gene: PHGDH (phosphoglycerate dehydrogenase; plus strand). Cytogenetic location: 1p12.
Variant type: single nucleotide variant.
Coding change: c.139-17T>A on transcript NM_006623.4 (MANE Select); 17 bases into the intron before coding-DNA position 139, T replaced by A.
Molecular consequence: intron variant.
Genome position (GRCh38, 1-based): chr1:119,721,153, T>A. VCF-style: chr1-119721153-T-A. GRCh37 (hg19) VCF-style: chr1-120263776-T-A.
Identifiers: ClinVar variation 1348349 (VCV001348349.5), dbSNP rs191621265, ClinGen allele CA1036952.